The following is an entry in ClinVar:

ClinVar aggregate classification (germline): Uncertain significance (1 of 4 stars; one submission).

Conditions:
Microcephaly 26, primary, autosomal dominant. Identifiers: MedGen C5543048, MONDO:0030928, OMIM 619179.

Submission:

Dasa
Classification: Uncertain significance for Microcephaly 26, primary, autosomal dominant. Last evaluated: 2026-02-24. Review status: criteria provided, single submitter. Criteria: DASA Assertion Criteria. Collection method: clinical testing. Allele origin: germline.
Comment: NM_005573.4(LMNB1):c.1648A>G (p.Ile550Val) is a missense variant that results in the substitution of isoleucine with valine. This variant is rare in population databases. The currently available literature and clinical evidence are not sufficient to establish a definitive association between this variant and the reported condition. Therefore, this variant is classified as a variant of uncertain significance.

NM_005573.4(LMNB1):c.1648A>G (p.Ile550Val)

Gene: LMNB1 (lamin B1; plus strand). Cytogenetic location: 5q23.2.
Variant type: single nucleotide variant.
Coding change: c.1648A>G on transcript NM_005573.4 (MANE Select); coding-DNA position 1648, A replaced by G.
Protein change: p.Ile550Val; replaces isoleucine 550 with valine.
Molecular consequence: missense variant. On other transcripts: non-coding transcript variant (2).
Genome position (GRCh38, 1-based): chr5:126,832,730, A>G. VCF-style: chr5-126832730-A-G. GRCh37 (hg19) VCF-style: chr5-126168422-A-G.
Other names: c.1018A>G, p.Ile340Val (NM_001198557.2); short protein forms I340V, I550V.
Identifiers: ClinVar variation 4881090 (VCV004881090.2).